The following is an entry in ClinVar:

NC_000002.11:g.(?_51148997)_(51259192_?)del

Gene: NRXN1 (neurexin 1; minus strand). Cytogenetic location: 2p16.3.
Variant type: Deletion.
Identifiers: ClinVar variation 1074562 (VCV001074562.1).

ClinVar aggregate classification (germline): Pathogenic (1 of 4 stars; one submission).

Conditions:
Pitt-Hopkins-like syndrome 2 (PTHSL2). Identifiers: Orphanet 221150, Orphanet 600663, MedGen C3280479, MONDO:0013690, OMIM 614325.

Submission:

Labcorp Genetics (formerly Invitae), Labcorp
Classification: Pathogenic for Pitt-Hopkins-like syndrome 2. Last evaluated: 2020-10-29. Review status: criteria provided, single submitter. Criteria: Invitae Variant Classification Sherloc (09022015). Collection method: clinical testing. Allele origin: germline.
Comment: This variant is a gross deletion of the genomic region encompassing exons 1-6 of the NRXN1 gene, which includes the initiator codon. The 5' end of this event is unknown as it extends beyond the assayed region for this gene and therefore may encompass additional genes. The 3' boundary is likely confined to intron 6 of the NRXN1 gene. This is expected to result in an absent or disrupted protein product. Similar deletions involving exons 1-6 have been observed in combination with other chromosomal abnormalities in individuals affected with autism spectrum disorder (PMID: 25661985, 26742492). Loss-of-function variants in NRXN1 are known to be pathogenic (PMID: 19896112, 21964664, 25149956). For these reasons, this variant has been classified as Pathogenic.

Literature cited by the submitters: PubMed 25661985; PubMed 26742492; PubMed 19896112; PubMed 21964664; PubMed 25149956.